The following is an entry in ClinVar:

NM_001005361.3(DNM2):c.528C>T (p.Pro176=)

Gene: DNM2 (dynamin 2; plus strand). Cytogenetic location: 19p13.2.
Variant type: single nucleotide variant.
Coding change: c.528C>T on transcript NM_001005361.3 (MANE Select); coding-DNA position 528, C replaced by T.
Protein change: p.Pro176=; no amino-acid change (proline 176 retained).
Molecular consequence: synonymous variant.
Genome position (GRCh38, 1-based): chr19:10,775,845, C>T. VCF-style: chr19-10775845-C-T. GRCh37 (hg19) VCF-style: chr19-10886521-C-T.
Other names: c.528C>T, p.Pro176= (NM_001005360.3, NM_001005362.3, NM_001190716.2 and 1 more transcripts).
Identifiers: ClinVar variation 327975 (VCV000327975.21), dbSNP rs147579870, ClinGen allele CA9200813.

ClinVar aggregate classification (germline): Benign/Likely benign. Review status: criteria provided, multiple submitters, no conflicts (2 of 4 stars). 7 submissions from 6 submitters: Benign (2); Likely benign (4). 1 of the submissions does not count toward it. Last evaluated 2025-06-20.

Conditions:
Inborn genetic diseases. Identifiers: MedGen C0950123, MeSH D030342.
DNM2-related disorder. Also called: DNM2-related condition.
Autosomal dominant centronuclear myopathy. Also called: Myopathy, centronuclear, 3; MYOTUBULAR MYOPATHY, AUTOSOMAL DOMINANT. Identifiers: Orphanet 169189, MedGen C4551952, MeSH D020914, MONDO:0008048, OMIM 160150.
Charcot-Marie-Tooth disease dominant intermediate B (CMTDIB). Also called: CHARCOT-MARIE-TOOTH NEUROPATHY, DOMINANT INTERMEDIATE B; Charcot-Marie-Tooth disease dominant intermediate 1; CMT DI1; Charcot-Marie-Tooth disease dominant intermediate I. Identifiers: Orphanet 100044, Orphanet 228179, MedGen C1847902, MONDO:0011674, OMIM 606482.

Allele frequency attached by ClinVar (database versions not stated): ExAC 0.00008; gnomAD exomes 0.00009; gnomAD 0.00015; TOPMed 0.00016; ESP Exome Variant Server 0.00023.
gnomAD v4.1: 154 of 1,613,948 alleles (0.0095%); highest among the groups gnomAD compares: Admixed American, 0.023%; no homozygotes.

Submissions (7):

Labcorp Genetics (formerly Invitae), Labcorp
Classification: Likely benign for Charcot-Marie-Tooth disease dominant intermediate B. Last evaluated: 2025-06-20. Review status: criteria provided, single submitter. Criteria: Invitae Variant Classification Sherloc (09022015). Collection method: clinical testing. Allele origin: germline.

Blueprint Genetics
Classification: Likely benign. Last evaluated: 2022-12-19. Review status: criteria provided, single submitter. Criteria: ACMG Guidelines, 2015. Collection method: clinical testing. Allele origin: germline.

Ambry Genetics
Classification: Likely benign for Inborn genetic diseases. Last evaluated: 2019-07-11. Review status: criteria provided, single submitter. Criteria: Ambry Variant Classification Scheme 2023. Collection method: clinical testing. Allele origin: germline.

Athena Diagnostics
Classification: Benign. Last evaluated: 2018-12-04. Review status: criteria provided, single submitter. Criteria: Athena Diagnostics Criteria. Collection method: clinical testing. Allele origin: germline.

Illumina Laboratory Services, Illumina
Classification: Benign for Charcot-Marie-Tooth disease dominant intermediate B. Last evaluated: 2018-01-12. Review status: criteria provided, single submitter. Criteria: ICSL Variant Classification Criteria 13 December 2019. Collection method: clinical testing. Allele origin: germline.
Comment: This variant was observed in the ICSL laboratory as part of a predisposition screen in an ostensibly healthy population. It had not been previously curated by ICSL or reported in the Human Gene Mutation Database (HGMD: prior to June 1st, 2018), and was therefore a candidate for classification through an automated scoring system. Utilizing variant allele frequency, disease prevalence and penetrance estimates, and inheritance mode, an automated score was calculated to assess if this variant is too frequent to cause the disease. Based on the score and internal cut-off values, a variant classified as benign is not then subjected to further curation. The score for this variant resulted in a classification of benign for this disease.

Illumina Laboratory Services, Illumina
Classification: Likely benign for Autosomal dominant centronuclear myopathy. Last evaluated: 2018-01-12. Review status: criteria provided, single submitter. Criteria: ICSL Variant Classification Criteria 13 December 2019. Collection method: clinical testing. Allele origin: germline.
Comment: This variant was observed in the ICSL laboratory as part of a predisposition screen in an ostensibly healthy population. It had not been previously curated by ICSL or reported in the Human Gene Mutation Database (HGMD: prior to June 1st, 2018), and was therefore a candidate for classification through an automated scoring system. Utilizing variant allele frequency, disease prevalence and penetrance estimates, and inheritance mode, an automated score was calculated to assess if this variant is too frequent to cause the disease. Based on the score and internal cut-off values, a variant classified as likely benign is not then subjected to further curation. The score for this variant resulted in a classification of likely benign for this disease.

PreventionGenetics, part of Exact Sciences
Classification: Likely benign for DNM2-related condition. Last evaluated: 2023-02-27. Review status: no assertion criteria provided. Collection method: clinical testing. Allele origin: germline. Not counted in ClinVar's aggregate classification.
Comment: This variant is classified as likely benign based on ACMG/AMP sequence variant interpretation guidelines (Richards et al. 2015 PMID: 25741868, with internal and published modifications).